The following is an entry in ClinVar:

ClinVar aggregate classification (germline): Conflicting classifications of pathogenicity. Review status: criteria provided, conflicting classifications (1 of 4 stars). 2 submissions from 2 submitters: Uncertain significance (1); Likely benign (1). Last evaluated 2022-12-02.

Allele frequency attached by ClinVar (database versions not stated): gnomAD 0.00001; 1000 Genomes Project 30x 0.00031; 1000 Genomes Project 0.00040.
gnomAD v4.1: 48 of 1,613,918 alleles (0.003%); highest among the groups gnomAD compares: South Asian, 0.048%; no homozygotes.

Submissions (2):

Labcorp Genetics (formerly Invitae), Labcorp
Classification: Uncertain significance. Last evaluated: 2022-12-02. Review status: criteria provided, single submitter. Criteria: Invitae Variant Classification Sherloc (09022015). Collection method: clinical testing. Allele origin: germline.
Comment: In summary, the available evidence is currently insufficient to determine the role of this variant in disease. Therefore, it has been classified as a Variant of Uncertain Significance. Advanced modeling of protein sequence and biophysical properties (such as structural, functional, and spatial information, amino acid conservation, physicochemical variation, residue mobility, and thermodynamic stability) performed at Invitae indicates that this missense variant is not expected to disrupt PDE6C protein function. ClinVar contains an entry for this variant (Variation ID: 1400191). This variant has not been reported in the literature in individuals affected with PDE6C-related conditions. This variant is present in population databases (rs557957487, gnomAD 0.05%). This sequence change replaces glycine, which is neutral and non-polar, with valine, which is neutral and non-polar, at codon 74 of the PDE6C protein (p.Gly74Val).

Blueprint Genetics
Classification: Likely benign. Last evaluated: 2021-11-15. Review status: criteria provided, single submitter. Criteria: ACMG Guidelines, 2015. Collection method: clinical testing. Allele origin: germline.

NM_006204.4(PDE6C):c.221G>T (p.Gly74Val)

Gene: PDE6C (phosphodiesterase 6C; plus strand). Cytogenetic location: 10q23.33.
Variant type: single nucleotide variant.
Coding change: c.221G>T on transcript NM_006204.4 (MANE Select); coding-DNA position 221, G replaced by T.
Protein change: p.Gly74Val; replaces glycine 74 with valine.
Molecular consequence: missense variant.
Genome position (GRCh38, 1-based): chr10:93,612,946, G>T. VCF-style: chr10-93612946-G-T. GRCh37 (hg19) VCF-style: chr10-95372703-G-T.
Other names: short protein forms G74V.
Identifiers: ClinVar variation 1400191 (VCV001400191.7), dbSNP rs557957487, ClinGen allele CA5609782.